The following is an entry in ClinVar:

ClinVar aggregate classification (germline): Conflicting classifications of pathogenicity. Review status: criteria provided, conflicting classifications (1 of 4 stars). 9 submissions from 9 submitters: Uncertain significance (1); Benign (1); Likely benign (5). 2 of the submissions do not count toward it. Last evaluated 2026-06-01.

Conditions:
Cardiovascular phenotype. Identifiers: MedGen CN230736.
Episodic pain syndrome, familial, 2 (FEPS2). Identifiers: Orphanet 306577, MedGen C3809893, MONDO:0014246, OMIM 615551.
Brugada syndrome. Also called: Sudden unexpected nocturnal death syndrome; Sudden Unexplained Death Syndrome; Sudden Unexplained Nocturnal Death Syndrome (SUNDS); Sudden unexplained nocturnal death syndrome. Identifiers: Orphanet 130, MedGen C1142166, MONDO:0015263.

Allele frequency attached by ClinVar (database versions not stated): ESP Exome Variant Server 0.00023; gnomAD 0.00039; TOPMed 0.00039; ExAC 0.00049; gnomAD exomes 0.00052 and 0.00079.
gnomAD v4.1: 1,211 of 1,613,944 alleles (0.075%); highest among the groups gnomAD compares: Non-Finnish European, 0.093%; no homozygotes.

Submissions (9):

CeGaT Center for Human Genetics Tuebingen
Classification: Uncertain significance. Last evaluated: 2026-06-01. Review status: criteria provided, single submitter. Criteria: CeGaT Center For Human Genetics Tuebingen Variant Classification Criteria Version 2. Collection method: clinical testing. Allele origin: germline. Affected: yes. Observed: 1 variant allele.

Labcorp Genetics (formerly Invitae), Labcorp
Classification: Likely benign for Brugada syndrome. Last evaluated: 2026-01-07. Review status: criteria provided, single submitter. Criteria: Invitae Variant Classification Sherloc (09022015). Collection method: clinical testing. Allele origin: germline.

Women's Health and Genetics/Laboratory Corporation of America, LabCorp
Classification: Likely benign. Last evaluated: 2024-12-03. Review status: criteria provided, single submitter. Criteria: LabCorp Variant Classification Summary - May 2015. Collection method: clinical testing. Allele origin: germline.
Comment: Variant summary: SCN10A c.1430C>T (p.Pro477Leu) results in a non-conservative amino acid change in the encoded protein sequence. Four of five in-silico tools predict a benign effect of the variant on protein function. The variant allele was found at a frequency of 0.00052 in 251480 control chromosomes, predominantly at a frequency of 0.00091 within the Non-Finnish European subpopulation in the gnomAD database. The allele frequency suggests that the variant is likely not associated with high a penetrance, severe, dominant disease phenotype. To our knowledge, no occurrence of c.1430C>T in individuals affected with Episodic pain syndrome, familial, 2 and no experimental evidence demonstrating its impact on protein function have been reported. ClinVar contains an entry for this variant (Variation ID: 240663). Based on the evidence outlined above, the variant was classified as likely benign.

Mayo Clinic Laboratories, Mayo Clinic
Classification: Benign. Last evaluated: 2024-10-14. Review status: criteria provided, single submitter. Criteria: ACMG Guidelines, 2015. Collection method: clinical testing. Allele origin: germline. Observed: 2 variant alleles.
Comment: BS2, BP4

Fulgent Genetics
Classification: Likely benign for Episodic pain syndrome, familial, 2. Last evaluated: 2021-09-13. Review status: criteria provided, single submitter. Criteria: ACMG Guidelines, 2015. Collection method: clinical testing. Allele origin: unknown.

GeneDx
Classification: Likely benign. Last evaluated: 2020-09-24. Review status: criteria provided, single submitter. Criteria: GeneDx Variant Classification Process June 2021. Collection method: clinical testing. Allele origin: germline. Affected: yes.
Comment: In silico analysis, which includes protein predictors and evolutionary conservation, supports a deleterious effect; Has not been previously published as pathogenic or benign to our knowledge

Ambry Genetics
Classification: Likely benign for Cardiovascular phenotype. Last evaluated: 2019-11-25. Review status: criteria provided, single submitter. Criteria: Ambry Variant Classification Scheme 2023. Collection method: clinical testing. Allele origin: germline.

Clinical Genetics, Academic Medical Center
Classification: Likely benign. Review status: no assertion criteria provided. Collection method: clinical testing. Allele origin: germline. Affected: yes. Study: VKGL Data-share Consensus. Not counted in ClinVar's aggregate classification.

Joint Genome Diagnostic Labs from Nijmegen and Maastricht, Radboudumc and MUMC+
Classification: Likely benign. Review status: no assertion criteria provided. Collection method: clinical testing. Allele origin: germline. Affected: yes. Study: VKGL Data-share Consensus. Not counted in ClinVar's aggregate classification.

NM_006514.4(SCN10A):c.1430C>T (p.Pro477Leu)

Gene: SCN10A (sodium voltage-gated channel alpha subunit 10; minus strand). Cytogenetic location: 3p22.2.
Variant type: single nucleotide variant.
Coding change: c.1430C>T on transcript NM_006514.4 (MANE Select); coding-DNA position 1430, C replaced by T.
Protein change: p.Pro477Leu; replaces proline 477 with leucine.
Molecular consequence: missense variant.
Genome position (GRCh38, 1-based): chr3:38,755,819, G>A on the plus strand (C>T on the coding strand, the complement: SCN10A is on the minus strand). VCF-style: chr3-38755819-G-A. GRCh37 (hg19) VCF-style: chr3-38797310-G-A.
Other names: p.Pro477Leu; c.1430C>T, p.Pro477Leu (NM_001293306.2, NM_001293307.2); short protein forms P477L.
Identifiers: ClinVar variation 240663 (VCV000240663.36), dbSNP rs142235256, ClinGen allele CA2320872.
Genomic context (GRCh38, chr3:38,755,819, plus strand): 5'-TCTTTAGAGCACAAACCTGAGCCTCTTACCATCCTGCGCTGGTTGTAAGGATCAGAGCGG[G>A]GTGATTTGTTGTCTTCTGTGGAGCCCTCTGACACTCTTGGCTTTATTCTATGCCTTCTCT-3'
Protein context (NP_006505.4, residues 467-487): SEGSTEDNKS[Pro477Leu]RSDPYNQRRM